The following is an entry in ClinVar:

ClinVar aggregate classification (germline): Uncertain significance (1 of 4 stars; one submission).

gnomAD v4.1: 21 of 1,609,806 alleles (0.0013%); highest among the groups gnomAD compares: Non-Finnish European, 0.0017%; no homozygotes.

Submission:

CeGaT Center for Human Genetics Tuebingen
Classification: Uncertain significance. Last evaluated: 2026-02-01. Review status: criteria provided, single submitter. Criteria: CeGaT Center For Human Genetics Tuebingen Variant Classification Criteria Version 2. Collection method: clinical testing. Allele origin: germline. Affected: yes. Observed: 1 variant allele.
Comment: PRDM16: PM2, BP5

NM_022114.4(PRDM16):c.2833A>G (p.Arg945Gly)

Gene: PRDM16 (PR/SET domain 16; plus strand). Cytogenetic location: 1p36.32.
Variant type: single nucleotide variant.
Coding change: c.2833A>G on transcript NM_022114.4 (MANE Select); coding-DNA position 2833, A replaced by G.
Protein change: p.Arg945Gly; replaces arginine 945 with glycine.
Molecular consequence: missense variant.
Genome position (GRCh38, 1-based): chr1:3,417,969, A>G. VCF-style: chr1-3417969-A-G. GRCh37 (hg19) VCF-style: chr1-3334533-A-G.
Other names: c.2833A>G, p.Arg945Gly (NM_199454.3); short protein forms R945G.
Identifiers: ClinVar variation 4822269 (VCV004822269.4).